The following is an entry in ClinVar:

ClinVar aggregate classification (germline): Uncertain significance (1 of 4 stars; one submission).

Conditions:
Intellectual disability. Also called: Intellectual functioning disability; intellectual disabilities; Intellectual developmental disorder. Identifiers: MedGen C3714756, MeSH D008607, MONDO:0001071, HP:0001249.

Submission:

Labcorp Genetics (formerly Invitae), Labcorp
Classification: Uncertain significance for Intellectual disability. Last evaluated: 2021-12-12. Review status: criteria provided, single submitter. Criteria: Invitae Variant Classification Sherloc (09022015). Collection method: clinical testing. Allele origin: germline.
Comment: A copy number gain of the genomic region encompassing the full coding sequence of the GABRB2 gene has been identified. The boundaries of this event are unknown as they extend beyond the assayed region for this gene and therefore may encompass additional genes. As the precise location of this event is unknown, it may be in tandem or it may be located elsewhere in the genome. This variant has not been reported in the literature in individuals affected with GABRB2-related conditions. In summary, the available evidence is currently insufficient to determine the role of this variant in disease. Therefore, it has been classified as a Variant of Uncertain Significance.

NC_000005.9:g.(?_160721088)_(161324428_?)dup

Genes: GABRA1 (gamma-aminobutyric acid type A receptor subunit alpha1; plus strand), GABRA6 (gamma-aminobutyric acid type A receptor subunit alpha6; plus strand), GABRB2 (gamma-aminobutyric acid type A receptor subunit beta2; minus strand). Cytogenetic location: 5q34.
Variant type: Duplication.
Identifiers: ClinVar variation 2426686 (VCV002426686.6).